The following is an entry in ClinVar:

NM_032590.5(KDM2B):c.1301G>A (p.Arg434Lys)

Gene: KDM2B (lysine demethylase 2B; minus strand). Cytogenetic location: 12q24.31.
Variant type: single nucleotide variant.
Coding change: c.1301G>A on transcript NM_032590.5 (MANE Select); coding-DNA position 1301, G replaced by A.
Protein change: p.Arg434Lys; replaces arginine 434 with lysine.
Molecular consequence: missense variant.
Genome position (GRCh38, 1-based): chr12:121,509,913, C>T on the plus strand (G>A on the coding strand, the complement: KDM2B is on the minus strand). VCF-style: chr12-121509913-C-T. GRCh37 (hg19) VCF-style: chr12-121947716-C-T.
Other names: c.1208G>A, p.Arg403Lys (NM_001005366.2, NM_001439025.1, NM_001439026.1); c.1397G>A, p.Arg466Lys (NM_001439014.1, NM_001439015.1); c.1379G>A, p.Arg460Lys (NM_001439016.1); c.1301G>A, p.Arg434Lys (NM_001439017.1, NM_001439018.1); c.1286G>A, p.Arg429Lys (NM_001439020.1); c.1268G>A, p.Arg423Lys (NM_001439021.1); c.1238G>A, p.Arg413Lys (NM_001439022.1, NM_001439023.1, NM_001439029.1); c.1190G>A, p.Arg397Lys (NM_001439028.1); short protein forms R397K, R403K, R413K, R423K, R429K, R434K, R460K, R466K.
Identifiers: ClinVar variation 4527550 (VCV004527550.1).

ClinVar aggregate classification (germline): Uncertain significance (1 of 4 stars; one submission).

Submission:

GeneDx
Classification: Uncertain significance. Last evaluated: 2025-04-28. Review status: criteria provided, single submitter. Criteria: GeneDx Variant Classification Process June 2021. Collection method: clinical testing. Allele origin: germline. Affected: yes.
Comment: Not observed at significant frequency in large population cohorts (gnomAD); In silico analysis indicates that this missense variant does not alter protein structure/function; Has not been previously published as pathogenic or benign to our knowledge